The following is an entry in ClinVar:

ClinVar aggregate classification (germline): Uncertain significance (1 of 4 stars; one submission).

Conditions:
Atypical hemolytic-uremic syndrome. Identifiers: Orphanet 2134, MedGen C2931788, MONDO:0016244.

gnomAD v4.1: 2 of 1,504,270 alleles (0.00013%); highest among the groups gnomAD compares: Non-Finnish European, 0.00018%; no homozygotes.

Submission:

Genomenon, Inc
Classification: Uncertain significance for Atypical hemolytic-uremic syndrome. Last evaluated: 2025-10-02. Review status: criteria provided, single submitter. Criteria: Genomenon Sequence Variant Interpretation Standards - Updated. Collection method: curation. Allele origin: germline. Affected: yes.
Comment: CFH p.Cys811Arg (c.2431T>C) is a missense variant that changes the amino acid at residue 811 from Cysteine to Arginine. This variant has been observed in at least one proband affected with atypical hemolytic-uremic syndrome (PMID:30890598). It is absent or not present at a significant frequency in gnomAD. In silico models agree that this variant is possibly or probably damaging. In conclusion, we classify CFH p.Cys811Arg (c.2431T>C) as a variant of uncertain significance.

Literature cited by the submitters: PubMed 30890598.

NM_000186.4(CFH):c.2431T>C (p.Cys811Arg)

Gene: CFH (complement factor H; plus strand). Cytogenetic location: 1q31.3.
Variant type: single nucleotide variant.
Coding change: c.2431T>C on transcript NM_000186.4 (MANE Select); coding-DNA position 2431, T replaced by C.
Protein change: p.Cys811Arg; replaces cysteine 811 with arginine.
Molecular consequence: missense variant.
Genome position (GRCh38, 1-based): chr1:196,736,841, T>C. VCF-style: chr1-196736841-T-C. GRCh37 (hg19) VCF-style: chr1-196705971-T-C.
Other names: short protein forms C811R.
Identifiers: ClinVar variation 4291479 (VCV004291479.1).
Genomic context (GRCh38, chr1:196,736,841, plus strand): 5'-TATTTTTTATTATAACATTAATTATATTTTTAATATTTTTTAGTGGCACAAATACAATTA[T>C]GCCCACCTCCACCTCAGATTCCCAATTCTCACAATATGACAACCACACTGAATTATCGGG-3'
Protein context (NP_000177.2, residues 801-821): VNCSMAQIQL[Cys811Arg]PPPPQIPNSH